The following is an entry in ClinVar:

NM_001172560.3(SSTR5):c.156G>A (p.Ala52=)

Gene: SSTR5 (somatostatin receptor 5; plus strand). Cytogenetic location: 16p13.3.
Variant type: single nucleotide variant.
Coding change: c.156G>A on transcript NM_001172560.3 (MANE Select); coding-DNA position 156, G replaced by A.
Protein change: p.Ala52=; no amino-acid change (alanine 52 retained).
Molecular consequence: synonymous variant.
Genome position (GRCh38, 1-based): chr16:1,079,024, G>A. VCF-style: chr16-1079024-G-A. GRCh37 (hg19) VCF-style: chr16-1129024-G-A.
Other names: c.156G>A, p.Ala52= (NM_001053.4).
Identifiers: ClinVar variation 3035294 (VCV003035294.2), dbSNP rs4988485, ClinGen allele CA7798638.
Genomic context (GRCh38, chr16:1,079,024, plus strand): 5'-GGCGCCCTCGGCAGGGGCCCGGGCGGTGCTGGTGCCCGTGCTGTACCTGCTGGTGTGTGC[G>A]GCCGGGCTGGGCGGGAACACGCTGGTCATCTACGTGGTGCTGCGCTTCGCCAAGATGAAG-3'
Protein context (NP_001166031.1, residues 42-62): LVPVLYLLVC[Ala52=]AGLGGNTLVI

ClinVar aggregate classification (germline): Benign (0 of 4 stars; one submission).

Conditions:
SSTR5-related disorder. Also called: SSTR5-related condition.

Allele frequency attached by ClinVar (database versions not stated): ESP Exome Variant Server 0.00023; TOPMed 0.00071; 1000 Genomes Project 30x 0.00094; 1000 Genomes Project 0.00120; gnomAD exomes 0.00164; gnomAD 0.00218; ExAC 0.00289.
gnomAD v4.1: 2,711 of 1,606,548 alleles (0.17%); highest among the groups gnomAD compares: Non-Finnish European, 0.11%; 22 homozygotes.

Submission:

PreventionGenetics, part of Exact Sciences
Classification: Benign for SSTR5-related condition. Last evaluated: 2019-11-15. Review status: no assertion criteria provided. Collection method: clinical testing. Allele origin: germline.
Comment: This variant is classified as benign based on ACMG/AMP sequence variant interpretation guidelines (Richards et al. 2015 PMID: 25741868, with internal and published modifications).